The following is an entry in ClinVar:

NM_031220.4(PITPNM3):c.2355G>A (p.Pro785=)

Gene: PITPNM3 (PITPNM family member 3; minus strand). Cytogenetic location: 17p13.2.
Variant type: single nucleotide variant.
Coding change: c.2355G>A on transcript NM_031220.4 (MANE Select); coding-DNA position 2355, G replaced by A.
Protein change: p.Pro785=; no amino-acid change (proline 785 retained).
Molecular consequence: synonymous variant.
Genome position (GRCh38, 1-based): chr17:6,461,508, C>T on the plus strand (G>A on the coding strand, the complement: PITPNM3 is on the minus strand). VCF-style: chr17-6461508-C-T. GRCh37 (hg19) VCF-style: chr17-6364828-C-T.
Other names: c.2247G>A, p.Pro749= (NM_001165966.2).
Identifiers: ClinVar variation 194895 (VCV000194895.21), dbSNP rs146899730, ClinGen allele CA241106.

ClinVar aggregate classification (germline): Conflicting classifications of pathogenicity. Review status: criteria provided, conflicting classifications (1 of 4 stars). 4 submissions from 4 submitters: Uncertain significance (1); Benign (1); Likely benign (2). Last evaluated 2026-01-12.

Conditions:
Cone-rod dystrophy 5 (CORD5). Identifiers: Orphanet 1872, MedGen C1832976, MONDO:0010969, OMIM 600977.

Allele frequency attached by ClinVar (database versions not stated): 1000 Genomes Project 30x 0.00016; 1000 Genomes Project 0.00020; TOPMed 0.00051; gnomAD 0.00061 and 0.00062; gnomAD exomes 0.00065; ExAC 0.00069; ESP Exome Variant Server 0.00092.
gnomAD v4.1: 1,028 of 1,614,224 alleles (0.064%); highest among the groups gnomAD compares: Middle Eastern, 0.099%; 3 homozygotes.

Submissions (4):

Labcorp Genetics (formerly Invitae), Labcorp
Classification: Likely benign. Last evaluated: 2026-01-12. Review status: criteria provided, single submitter. Criteria: Invitae Variant Classification Sherloc (09022015). Collection method: clinical testing. Allele origin: germline.

Blueprint Genetics
Classification: Likely benign. Last evaluated: 2024-11-21. Review status: criteria provided, single submitter. Criteria: ACMG Guidelines, 2015. Collection method: clinical testing. Allele origin: germline.

Illumina Laboratory Services, Illumina
Classification: Benign for Cone-rod dystrophy 5. Last evaluated: 2018-01-12. Review status: criteria provided, single submitter. Criteria: ICSL Variant Classification Criteria 13 December 2019. Collection method: clinical testing. Allele origin: germline.
Comment: This variant was observed in the ICSL laboratory as part of a predisposition screen in an ostensibly healthy population. It had not been previously curated by ICSL or reported in the Human Gene Mutation Database (HGMD: prior to June 1st, 2018), and was therefore a candidate for classification through an automated scoring system. Utilizing variant allele frequency, disease prevalence and penetrance estimates, and inheritance mode, an automated score was calculated to assess if this variant is too frequent to cause the disease. Based on the score and internal cut-off values, a variant classified as benign is not then subjected to further curation. The score for this variant resulted in a classification of benign for this disease.

Eurofins Ntd Llc (ga)
Classification: Uncertain significance. Last evaluated: 2015-05-08. Review status: criteria provided, single submitter. Criteria: EGL Classification Definitions 2015. Collection method: clinical testing. Allele origin: germline. Observed: 1 variant allele, 1 heterozygote.